The following is an entry in ClinVar:

NM_000256.3(MYBPC3):c.2029C>G (p.Pro677Ala)

Gene: MYBPC3 (myosin binding protein C3; minus strand). Cytogenetic location: 11p11.2.
Variant type: single nucleotide variant.
Coding change: c.2029C>G on transcript NM_000256.3 (MANE Select); coding-DNA position 2029, C replaced by G.
Protein change: p.Pro677Ala; replaces proline 677 with alanine.
Molecular consequence: missense variant.
Genome position (GRCh38, 1-based): chr11:47,339,689, G>C on the plus strand (C>G on the coding strand, the complement: MYBPC3 is on the minus strand). VCF-style: chr11-47339689-G-C. GRCh37 (hg19) VCF-style: chr11-47361240-G-C.
Other names: short protein forms P677A.
Identifiers: ClinVar variation 3894253 (VCV003894253.1).

ClinVar aggregate classification (germline): Uncertain significance (1 of 4 stars; one submission).

Conditions:
Cardiomyopathy (CMYO). Also called: Cardiomyopathies. Identifiers: Orphanet 167848, MedGen C0878544, MONDO:0004994, HP:0001638. Inheritance: Various modes of inheritance.

Submission:

Color Diagnostics, LLC DBA Color Health
Classification: Uncertain significance for Cardiomyopathy. Last evaluated: 2025-03-09. Review status: criteria provided, single submitter. Criteria: ACMG Guidelines, 2015. Collection method: clinical testing. Allele origin: germline.
Comment: This missense variant replaces proline with alanine at codon 677 of the MYBPC3 protein. Computational prediction suggests that this variant may have deleterious impact on protein structure and function (internally defined REVEL score threshold >= 0.7, PMID: 27666373). To our knowledge, functional studies have not been reported for this variant. This variant has not been reported in individuals affected with MYBPC3-related disorders in the literature. This variant has not been identified in the general population by the Genome Aggregation Database (gnomAD). The available evidence is insufficient to determine the role of this variant in disease conclusively. Therefore, this variant is classified as a Variant of Uncertain Significance.